The following is an entry in ClinVar:

ClinVar aggregate classification (germline): Likely benign. Review status: criteria provided, multiple submitters, no conflicts (2 of 4 stars). 2 submissions from 2 submitters: Likely benign (2). Last evaluated 2026-07-01.

Conditions:
Charcot-Marie-Tooth disease axonal type 2O. Also called: CHARCOT-MARIE-TOOTH NEUROPATHY, AXONAL, TYPE 2O; CHARCOT-MARIE-TOOTH DISEASE, AXONAL, AUTOSOMAL DOMINANT, TYPE 2O; Charcot-Marie-Tooth Neuropathy Type 2O; Charcot-Marie-Tooth disease, axonal, type 20. Identifiers: Orphanet 284232, MedGen C3280220, MONDO:0013644, OMIM 614228.

Allele frequency attached by ClinVar (database versions not stated): gnomAD exomes below 0.00001; ExAC 0.00002.
gnomAD v4.1: 5 of 1,614,196 alleles (0.00031%); highest among the groups gnomAD compares: South Asian, 0.0055%; no homozygotes.

Submissions (2):

CeGaT Center for Human Genetics Tuebingen
Classification: Likely benign. Last evaluated: 2026-07-01. Review status: criteria provided, single submitter. Criteria: CeGaT Center For Human Genetics Tuebingen Variant Classification Criteria Version 2. Collection method: clinical testing. Allele origin: germline. Affected: yes. Observed: 1 variant allele.
Comment: DYNC1H1: BP4, BP7

Labcorp Genetics (formerly Invitae), Labcorp
Classification: Likely benign for Charcot-Marie-Tooth disease axonal type 2O. Last evaluated: 2022-04-11. Review status: criteria provided, single submitter. Criteria: Invitae Variant Classification Sherloc (09022015). Collection method: clinical testing. Allele origin: germline.

NM_001376.5(DYNC1H1):c.5352T>C (p.Asn1784=)

Gene: DYNC1H1 (dynein cytoplasmic 1 heavy chain 1; plus strand). Cytogenetic location: 14q32.31.
Variant type: single nucleotide variant.
Coding change: c.5352T>C on transcript NM_001376.5 (MANE Select); coding-DNA position 5352, T replaced by C.
Protein change: p.Asn1784=; no amino-acid change (asparagine 1784 retained).
Molecular consequence: synonymous variant.
Genome position (GRCh38, 1-based): chr14:102,005,155, T>C. VCF-style: chr14-102005155-T-C. GRCh37 (hg19) VCF-style: chr14-102471492-T-C.
Identifiers: ClinVar variation 2124722 (VCV002124722.5), dbSNP rs779511736, ClinGen allele CA7352407.